The following is an entry in ClinVar:

ClinVar aggregate classification (germline): Uncertain significance. Review status: criteria provided, multiple submitters, no conflicts (2 of 4 stars). 2 submissions from 2 submitters: Uncertain significance (2). Last evaluated 2023-10-10.

Conditions:
Hypertrophic cardiomyopathy 2. Also called: TNNT2-Related Familial Hypertrophic Cardiomyopathy. Identifiers: MedGen C1861864, MONDO:0007266, OMIM 115195.
Dilated cardiomyopathy 1D. Identifiers: Orphanet 154, Orphanet 54260, MedGen C1832243, MONDO:0011095, OMIM 601494.

Submissions (2):

Clinical Genomics Laboratory, Stanford Medicine
Classification: Uncertain significance for Dilated cardiomyopathy 1D; Hypertrophic cardiomyopathy 2. Last evaluated: 2023-10-10. Review status: criteria provided, single submitter. Criteria: ACMG Guidelines, 2015. Collection method: clinical testing. Allele origin: germline. Affected: yes. Observed: 1 variant allele, 1 heterozygote.
Comment: The c.40_41+1del variant in the TNNT2 gene has not been previously reported in association with disease. This variant was absent from large population databases, including the Genome Aggregation Database. This variant is present in ClinVar (Variation ID: 635234). This variant results in a 3 bp deletion, including the last 2 nucleotides of exon 2 and the first nucleotide of intron 2, and is predicted to result in an in-frame deletion of the glutamic acid at position 15. While the reading frame is preserved, this variant is expected to alter the length of the TNNT2 protein. This variant is also expected to alter the 5’ exon/intron splice junction; however, the potential impact to splicing is currently uncertain. Loss-of-function is not currently an established mechanism of disease for the TNNT2 gene. These data were assessed using the ACMG/AMP variant interpretation guidelines. In summary, the significance of the c.40_41+1del variant is uncertain. Additional information is needed to resolve the significance of this variant. [ACMG evidence codes used: PM2; PM4]

Stanford Center for Inherited Cardiovascular Disease, Stanford University
Classification: Uncertain significance. Last evaluated: 2015-10-27. Review status: criteria provided, single submitter. Criteria: ACMG Guidelines, 2015. Collection method: provider interpretation. Allele origin: germline.

NM_001001430.3(TNNT2):c.40_41+1delGAG

Gene: TNNT2 (troponin T2, cardiac type; minus strand). Cytogenetic location: 1q32.1.
Variant type: Microsatellite.
Coding change: c.40_41+1delGAG on transcript NM_001001430.3; coding-DNA position 40 through the canonical splice donor site of the intron after coding-DNA position 41, 3 bases deleted (GAG).
Molecular consequence: splice donor variant.
Genome position (GRCh38, 1-based): chr1:201,373,213-201,373,215, CTC deleted on the plus strand (GAG on the coding strand, the reverse complement: TNNT2 is on the minus strand); deleting any 3 consecutive bases within chr1:201,373,213-201,373,221 gives the same sequence; the c. name uses the placement nearest the transcript's 3' end. VCF-style (leftmost placement, unchanged base first): chr1-201373212-ACTC-A. GRCh37 (hg19) VCF-style: chr1-201342340-ACTC-A.
Other names: c.40_41+1delGAG (NM_001001430.1).
Identifiers: ClinVar variation 635234 (VCV000635234.6), dbSNP rs1558251170, ClinGen allele CA422534039.
Genomic context (GRCh38, chr1:201,373,212, plus strand): 5'-ACCAGGTGTCAGGGCAGCGGCGGGAGAGGACCCCACTCAGGCAAGATGCTCCAGATACTC[ACTC>A]CTCCTCGTACTCTTCCACCACCTCTTCTATGTCAGACATGGTCTCTGCTCTCCCTCCAAA-3'